The following is an entry in ClinVar:

ClinVar aggregate classification (germline): Uncertain significance (1 of 4 stars; one submission).

Submission:

Labcorp Genetics (formerly Invitae), Labcorp
Classification: Uncertain significance. Last evaluated: 2024-05-06. Review status: criteria provided, single submitter. Criteria: Invitae Variant Classification Sherloc (09022015). Collection method: clinical testing. Allele origin: germline.
Comment: This sequence change creates a premature translational stop signal (p.Val180Glyfs*10) in the SUCLG2 gene. It is expected to result in an absent or disrupted protein product. However, the current clinical and genetic evidence is not sufficient to establish whether loss-of-function variants in SUCLG2 cause disease. This variant is present in population databases (rs750901124, gnomAD 0.005%). This premature translational stop signal has been observed in individual(s) with pheochromocytoma (PMID: 34415331). In summary, the available evidence is currently insufficient to determine the role of this variant in disease. Therefore, it has been classified as a Variant of Uncertain Significance.

Literature cited by the submitters: PubMed 34415331.

NM_003848.4(SUCLG2):c.539_540del (p.Val180fs)

Gene: SUCLG2 (succinate-CoA ligase GDP-forming subunit beta; minus strand). Cytogenetic location: 3p14.1.
Variant type: Deletion.
Coding change: c.539_540del on transcript NM_003848.4 (MANE Select); coding-DNA positions 539 to 540, 2 bases deleted (TG; older notation c.539_540delTG).
Protein change: p.Val180fs; shifts the reading frame from valine 180.
Molecular consequence: frameshift variant.
Genome position (GRCh38, 1-based): chr3:67,520,512-67,520,513, CA deleted on the plus strand (TG on the coding strand, the reverse complement: SUCLG2 is on the minus strand); deleting any 2 consecutive bases within chr3:67,520,512-67,520,514 gives the same sequence; the c. name uses the placement nearest the transcript's 3' end. VCF-style (leftmost placement, unchanged base first): chr3-67520511-CCA-C. GRCh37 (hg19) VCF-style: chr3-67570935-CCA-C.
Other names: c.539_540del, p.Val180fs (NM_001177599.2); short protein forms V180fs.
Identifiers: ClinVar variation 3672139 (VCV003672139.1).